The following is an entry in ClinVar:

NM_018124.4(RFWD3):c.607C>A (p.Pro203Thr)

Gene: RFWD3 (ring finger and WD repeat domain 3; minus strand). Cytogenetic location: 16q23.1.
Variant type: single nucleotide variant.
Coding change: c.607C>A on transcript NM_018124.4 (MANE Select); coding-DNA position 607, C replaced by A.
Protein change: p.Pro203Thr; replaces proline 203 with threonine.
Molecular consequence: missense variant. On other transcripts: 5 prime UTR variant (4), intron variant (1).
Genome position (GRCh38, 1-based): chr16:74,652,034, G>T on the plus strand (C>A on the coding strand, the complement: RFWD3 is on the minus strand). VCF-style: chr16-74652034-G-T. GRCh37 (hg19) VCF-style: chr16-74685932-G-T.
Other names: c.607C>A, p.Pro203Thr (NM_001370534.1, NM_001370535.1, NM_001370536.1); c.-402C>A (NM_001370537.1); c.-228C>A (NM_001370540.1); c.-279C>A (NM_001370542.1); c.-157C>A (NM_001370543.1); c.-113-2832C>A (NM_001370539.1); short protein forms P203T.
Identifiers: ClinVar variation 4718914 (VCV004718914.1).

ClinVar aggregate classification (germline): Uncertain significance (1 of 4 stars; one submission).

gnomAD v4.1: 1 of 1,614,094 alleles (0.000062%); highest among the groups gnomAD compares: Non-Finnish European, 0.000085%; no homozygotes.

Submission:

Labcorp Genetics (formerly Invitae), Labcorp
Classification: Uncertain significance. Last evaluated: 2025-05-04. Review status: criteria provided, single submitter. Criteria: Invitae Variant Classification Sherloc (09022015). Collection method: clinical testing. Allele origin: germline.
Comment: This sequence change replaces proline, which is neutral and non-polar, with threonine, which is neutral and polar, at codon 203 of the RFWD3 protein (p.Pro203Thr). This variant is present in population databases (rs144727254, gnomAD 0.007%). This variant has not been reported in the literature in individuals affected with RFWD3-related conditions. An algorithm developed to predict the effect of missense changes on protein structure and function (PolyPhen-2) suggests that this variant is likely to be tolerated. In summary, the available evidence is currently insufficient to determine the role of this variant in disease. Therefore, it has been classified as a Variant of Uncertain Significance.